The following is an entry in ClinVar:

ClinVar aggregate classification (germline): Uncertain significance (1 of 4 stars; one submission).

Allele frequency attached by ClinVar (database versions not stated): gnomAD 0.00001; TOPMed 0.00001; gnomAD exomes 0.00002.

Submission:

Labcorp Genetics (formerly Invitae), Labcorp
Classification: Uncertain significance. Last evaluated: 2022-04-04. Review status: criteria provided, single submitter. Criteria: Invitae Variant Classification Sherloc (09022015). Collection method: clinical testing. Allele origin: germline.
Comment: This sequence change replaces serine, which is neutral and polar, with glycine, which is neutral and non-polar, at codon 593 of the REST protein (p.Ser593Gly). This variant is present in population databases (no rsID available, gnomAD 0.0009%). This variant has not been reported in the literature in individuals affected with REST-related conditions. Algorithms developed to predict the effect of missense changes on protein structure and function output the following: SIFT: "Tolerated"; PolyPhen-2: "Benign"; Align-GVGD: "Class C0". The glycine amino acid residue is found in multiple mammalian species, which suggests that this missense change does not adversely affect protein function. In summary, the available evidence is currently insufficient to determine the role of this variant in disease. Therefore, it has been classified as a Variant of Uncertain Significance.

NM_005612.5(REST):c.1777A>G (p.Ser593Gly)

Gene: REST (RE1 silencing transcription factor; plus strand). Cytogenetic location: 4q12.
Variant type: single nucleotide variant.
Coding change: c.1777A>G on transcript NM_005612.5 (MANE Select); coding-DNA position 1777, A replaced by G.
Protein change: p.Ser593Gly; replaces serine 593 with glycine.
Molecular consequence: missense variant.
Genome position (GRCh38, 1-based): chr4:56,930,635, A>G. VCF-style: chr4-56930635-A-G. GRCh37 (hg19) VCF-style: chr4-57796801-A-G.
Other names: c.1777A>G, p.Ser593Gly (NM_001193508.2, NM_001363453.3); short protein forms S593G.
Identifiers: ClinVar variation 2170249 (VCV002170249.4), dbSNP rs1405313969, ClinGen allele CA357007400.